The following is an entry in ClinVar:

NM_002769.5(PRSS1):c.417C>A (p.Cys139Ter)

Genes: PRSS1 (serine protease 1; plus strand), TRB (T cell receptor beta locus; plus strand). Cytogenetic location: 7q34.
Variant type: single nucleotide variant.
Coding change: c.417C>A on transcript NM_002769.5 (MANE Select); coding-DNA position 417, C replaced by A.
Protein change: p.Cys139Ter; replaces cysteine 139 with a stop codon.
Molecular consequence: nonsense. On other transcripts: non-coding transcript variant (5).
Genome position (GRCh38, 1-based): chr7:142,751,990, C>A. VCF-style: chr7-142751990-C-A. GRCh37 (hg19) VCF-style: chr7-142459841-C-A.
Other names: short protein forms C139*.
Identifiers: ClinVar variation 4862581 (VCV004862581.1).

ClinVar aggregate classification (germline): Uncertain significance (1 of 4 stars; one submission).

Conditions:
Hereditary pancreatitis (PCTT). Also called: Hereditary chronic pancreatitis; PRSS1-Related Hereditary Pancreatitis. Identifiers: Orphanet 676, MedGen C0238339, MONDO:0008185, OMIM 167800.

gnomAD v4.1: 5 of 1,614,054 alleles (0.00031%); highest among the groups gnomAD compares: South Asian, 0.0022%; 1 homozygote.

Submission:

Ambry Genetics
Classification: Uncertain significance for Hereditary pancreatitis. Last evaluated: 2026-04-02. Review status: criteria provided, single submitter. Criteria: Ambry Variant Classification Scheme 2023. Collection method: clinical testing. Allele origin: germline.
Comment: The p.C139* variant (also known as c.417C>A), located in coding exon 3 of the PRSS1 gene, results from a C to A substitution at nucleotide position 417. This changes the amino acid from a cysteine to a stop codon within coding exon 3. This alteration is expected to result in loss of function by premature protein truncation or nonsense-mediated mRNA decay. However, loss of function has not been established as a mechanism of disease. Based on the available evidence, the clinical significance of this variant remains unclear.